The following is an entry in ClinVar:

ClinVar aggregate classification (germline): Uncertain significance. Review status: criteria provided, multiple submitters, no conflicts (2 of 4 stars). 2 submissions from 2 submitters: Uncertain significance (2). Last evaluated 2024-04-13.

Conditions:
Pseudohypoaldosteronism type 2B (PHA2B). Also called: Pseudohypoaldosteronism Type IIB. Identifiers: Orphanet 757, Orphanet 88939, MedGen C1840390, MONDO:0013777, OMIM 614491.

Allele frequency attached by ClinVar (database versions not stated): gnomAD exomes 0.00001; gnomAD 0.00004; TOPMed 0.00004; ESP Exome Variant Server 0.00008.
gnomAD v4.1: 24 of 1,613,738 alleles (0.0015%); highest among the groups gnomAD compares: African/African-American, 0.015%; no homozygotes.

Submissions (2):

Fulgent Genetics
Classification: Uncertain significance for Pseudohypoaldosteronism type 2B. Last evaluated: 2024-04-13. Review status: criteria provided, single submitter. Criteria: ACMG Guidelines, 2015. Collection method: clinical testing. Allele origin: germline.

Labcorp Genetics (formerly Invitae), Labcorp
Classification: Uncertain significance. Last evaluated: 2023-09-26. Review status: criteria provided, single submitter. Criteria: Invitae Variant Classification Sherloc (09022015). Collection method: clinical testing. Allele origin: germline.
Comment: This sequence change affects codon 1173 of the WNK4 mRNA. It is a 'silent' change, meaning that it does not change the encoded amino acid sequence of the WNK4 protein. This variant is present in population databases (rs367834726, gnomAD 0.02%). This variant has not been reported in the literature in individuals affected with WNK4-related conditions. Algorithms developed to predict the effect of sequence changes on RNA splicing suggest that this variant may create or strengthen a splice site. In summary, the available evidence is currently insufficient to determine the role of this variant in disease. Therefore, it has been classified as a Variant of Uncertain Significance.

NM_032387.5(WNK4):c.3519G>A (p.Pro1173=)

Gene: WNK4 (WNK lysine deficient protein kinase 4; plus strand). Cytogenetic location: 17q21.2.
Variant type: single nucleotide variant.
Coding change: c.3519G>A on transcript NM_032387.5 (MANE Select); coding-DNA position 3519, G replaced by A.
Protein change: p.Pro1173=; no amino-acid change (proline 1173 retained).
Molecular consequence: synonymous variant.
Genome position (GRCh38, 1-based): chr17:42,796,210, G>A. VCF-style: chr17-42796210-G-A. GRCh37 (hg19) VCF-style: chr17-40948228-G-A.
Other names: c.2511G>A, p.Pro837= (NM_001321299.2).
Identifiers: ClinVar variation 2908325 (VCV002908325.4), dbSNP rs367834726, ClinGen allele CA8584619.
Genomic context (GRCh38, chr17:42,796,210, plus strand): 5'-GACACTACAGAAAAAAGAAATTGAAGATTTGTACAGCCGGCTGGGGAAGCAGCCCCCACC[G>A]GGTATTGTGGCCCCAGCTGCTATGCTGTCCAGCCGCCAGCGCCGCCTCTCCAAGGGCAGC-3'
Protein context (NP_115763.2, residues 1163-1183): LYSRLGKQPP[Pro1173=]GIVAPAAMLS